The following is an entry in ClinVar:

ClinVar aggregate classification (germline): Uncertain significance (1 of 4 stars; one submission).

Conditions:
Cardiovascular phenotype. Identifiers: MedGen CN230736.

gnomAD v4.1: 18 of 1,575,622 alleles (0.0011%); highest among the groups gnomAD compares: Non-Finnish European, 0.0014%; no homozygotes.

Submission:

Ambry Genetics
Classification: Uncertain significance for Cardiovascular phenotype. Last evaluated: 2024-08-19. Review status: criteria provided, single submitter. Criteria: Ambry Variant Classification Scheme 2023. Collection method: clinical testing. Allele origin: germline.
Comment: The p.P31A variant (also known as c.91C>G), located in coding exon 1 of the LMF1 gene, results from a C to G substitution at nucleotide position 91. The proline at codon 31 is replaced by alanine, an amino acid with highly similar properties. This amino acid position is conserved. In addition, this alteration is predicted to be tolerated by in silico analysis. Based on the available evidence, the clinical significance of this variant remains unclear.

NM_022773.4(LMF1):c.91C>G (p.Pro31Ala)

Genes: LMF1 (lipase maturation factor 1; minus strand), LOC130058141 (ATAC-STARR-seq lymphoblastoid silent region 6962; plus strand). Cytogenetic location: 16p13.3.
Variant type: single nucleotide variant.
Coding change: c.91C>G on transcript NM_022773.4 (MANE Select); coding-DNA position 91, C replaced by G.
Protein change: p.Pro31Ala; replaces proline 31 with alanine.
Molecular consequence: missense variant. On other transcripts: 5 prime UTR variant (1), non-coding transcript variant (1), intron variant (3).
Genome position (GRCh38, 1-based): chr16:970,890, G>C on the plus strand (C>G on the coding strand, the complement: LMF1 is on the minus strand). VCF-style: chr16-970890-G-C. GRCh37 (hg19) VCF-style: chr16-1020890-G-C.
Other names: c.91C>G, p.Pro31Ala (NM_001352020.1); c.-615C>G (NM_001352021.2); c.-135+10255C>G (NM_001352019.2); c.-611+10255C>G (NM_001352017.2); c.-362+10255C>G (NM_001352018.2); short protein forms P31A.
Identifiers: ClinVar variation 3538664 (VCV003538664.1).